The following is an entry in ClinVar:

NM_014915.3(ANKRD26):c.59_61del (p.Gln20del)

Genes: ANKRD26 (ankyrin repeat domain 26; minus strand), LOC130003554 (ATAC-STARR-seq lymphoblastoid silent region 2243; plus strand). Cytogenetic location: 10p12.1.
Variant type: Deletion.
Coding change: c.59_61del on transcript NM_014915.3 (MANE Select); coding-DNA positions 59 to 61, 3 bases deleted (AGA; older notation c.59_61delAGA).
Protein change: p.Gln20del; deletes glutamine 20.
Molecular consequence: inframe deletion.
Genome position (GRCh38, 1-based): chr10:27,100,266-27,100,268, TCT deleted on the plus strand (AGA on the coding strand, the reverse complement: ANKRD26 is on the minus strand). VCF-style (leftmost placement, unchanged base first): chr10-27100265-CTCT-C. GRCh37 (hg19) VCF-style: chr10-27389194-CTCT-C.
Other names: c.59_61del, p.Gln20del (NM_001256053.2); short protein forms Q20del.
Identifiers: ClinVar variation 2885021 (VCV002885021.3), dbSNP rs1242225246, ClinGen allele CA663342736.

ClinVar aggregate classification (germline): Uncertain significance (1 of 4 stars; one submission).

Allele frequency attached by ClinVar (database versions not stated): TOPMed below 0.00001.

Submission:

Labcorp Genetics (formerly Invitae), Labcorp
Classification: Uncertain significance. Last evaluated: 2025-04-14. Review status: criteria provided, single submitter. Criteria: Invitae Variant Classification Sherloc (09022015). Collection method: clinical testing. Allele origin: germline.
Comment: This variant, c.59_61del, results in the deletion of 1 amino acid(s) of the ANKRD26 protein (p.Gln20del), but otherwise preserves the integrity of the reading frame. This variant is not present in population databases (gnomAD no frequency). This variant has not been reported in the literature in individuals affected with ANKRD26-related conditions. ClinVar contains an entry for this variant (Variation ID: 2885021). Experimental studies and prediction algorithms are not available or were not evaluated, and the functional significance of this variant is currently unknown. In summary, the available evidence is currently insufficient to determine the role of this variant in disease. Therefore, it has been classified as a Variant of Uncertain Significance.